The following is an entry in ClinVar:

NM_002439.5(MSH3):c.2846_2848delinsGGG (p.Gln949_Ser950delinsArgGly)

Gene: MSH3 (mutS homolog 3; plus strand). Cytogenetic location: 5q14.1.
Variant type: Indel.
Coding change: c.2846_2848delinsGGG on transcript NM_002439.5 (MANE Select); coding-DNA positions 2846 to 2848, AGA replaced by GGG.
Protein change: p.Gln949_Ser950delinsArgGly.
Molecular consequence: missense variant.
Genome position (GRCh38, 1-based): chr5:80,854,162-80,854,164, AGA replaced by GGG. VCF-style: chr5-80854162-AGA-GGG. GRCh37 (hg19) VCF-style: chr5-80149981-AGA-GGG.
Identifiers: ClinVar variation 4111078 (VCV004111078.1).

ClinVar aggregate classification (germline): Uncertain significance (1 of 4 stars; one submission).

Conditions:
Hereditary cancer-predisposing syndrome. Also called: Tumor predisposition; Neoplastic Syndromes, Hereditary; Hereditary neoplastic syndrome; Hereditary Cancer Syndrome. Identifiers: Orphanet 140162, MedGen C0027672, MeSH D009386, MONDO:0015356.

Submission:

Ambry Genetics
Classification: Uncertain significance for Hereditary cancer-predisposing syndrome. Last evaluated: 2025-06-27. Review status: criteria provided, single submitter. Criteria: Ambry Variant Classification Scheme 2023. Collection method: clinical testing. Allele origin: germline.
Comment: The c.2846_2848delAGAinsGGG variant (also known as p.Q949_S950delinsRG), located in coding exon 21 of the MSH3 gene, results from an in-frame deletion of AGA and insertion of GGG at nucleotide positions 2846 to 2848. This results in the deletion of 2 residues (QS) and the insertion of 2 new residues (RG) at codons 949 and 950. These amino acid positions are generally well conserved in available vertebrate species. In addition, the in silico prediction for this variant is inconclusive (Choi Y et al. PLoS ONE. 2012; 7(10):e46688). Based on the available evidence, the clinical significance of this variant remains unclear.